The following is an entry in ClinVar:

ClinVar aggregate classification (germline): Conflicting classifications of pathogenicity. Review status: criteria provided, conflicting classifications (1 of 4 stars). 4 submissions from 4 submitters: Uncertain significance (3); Likely benign (1). Last evaluated 2026-10-01.

Conditions:
Hereditary cancer-predisposing syndrome. Also called: Hereditary neoplastic syndrome; Tumor predisposition; Neoplastic Syndromes, Hereditary; Hereditary Cancer Syndrome. Identifiers: Orphanet 140162, MedGen C0027672, MeSH D009386, MONDO:0015356.
Bloom syndrome (BLM). Also called: Bloom-Torre-Machacek syndrome. Identifiers: Orphanet 125, MedGen C0005859, MONDO:0008876, OMIM 210900.

Allele frequency attached by ClinVar (database versions not stated): ExAC 0.00001; gnomAD exomes 0.00001; TOPMed 0.00001.

Submissions (4):

St. Jude Molecular Pathology, St. Jude Children's Research Hospital
Classification: Uncertain significance for Bloom syndrome. Last evaluated: 2026-10-01. Review status: criteria provided, single submitter. Criteria: St. Jude Assertion Criteria 2020. Collection method: clinical testing. Allele origin: germline.
Comment: The BLM c.646G>A p.(Glu216Lys) missense change has a maximum subpopulation frequency of 0.007% in gnomAD v2.1.1. The in silico tool REVEL predicts a benign effect on protein fun ction, but to our knowledge this prediction has not been confirmed by functional studies. To our knowledge, this variant has not been reported in individuals with Bloom syndrome. In summary, the evidence currently available is insufficient to determine t he clinical significance of this variant. It has therefore been classified as of uncertain significance.

Labcorp Genetics (formerly Invitae), Labcorp
Classification: Uncertain significance for Bloom syndrome. Last evaluated: 2024-10-28. Review status: criteria provided, single submitter. Criteria: Invitae Variant Classification Sherloc (09022015). Collection method: clinical testing. Allele origin: germline.
Comment: This sequence change replaces glutamic acid, which is acidic and polar, with lysine, which is basic and polar, at codon 216 of the BLM protein (p.Glu216Lys). This variant is present in population databases (rs779934502, gnomAD 0.006%). This variant has not been reported in the literature in individuals affected with BLM-related conditions. ClinVar contains an entry for this variant (Variation ID: 454160). An algorithm developed to predict the effect of missense changes on protein structure and function outputs the following: PolyPhen-2: "Benign". The lysine amino acid residue is found in multiple mammalian species, which suggests that this missense change does not adversely affect protein function. In summary, the available evidence is currently insufficient to determine the role of this variant in disease. Therefore, it has been classified as a Variant of Uncertain Significance.

Quest Diagnostics Nichols Institute San Juan Capistrano
Classification: Uncertain significance. Last evaluated: 2023-11-17. Review status: criteria provided, single submitter. Criteria: Quest Diagnostics criteria. Collection method: clinical testing. Allele origin: unknown.
Comment: The BLM c.646G>A (p.Glu216Lys) variant has not been reported in individuals with BLM-related conditions in the published literature. The frequency of this variant in the general population, 0.000008 (2/250998 chromosomes (Genome Aggregation Database)), is uninformative in the assessment of its pathogenicity. Analysis of this variant using a bioinformatics tool for the prediction of the effect of amino acid changes on protein structure and function yielded a prediction that this variant is benign. Based on the available information, we are unable to determine the clinical significance of this variant.

Ambry Genetics
Classification: Likely benign for Hereditary cancer-predisposing syndrome. Last evaluated: 2018-06-06. Review status: criteria provided, single submitter. Criteria: Ambry Variant Classification Scheme 2023. Collection method: clinical testing. Allele origin: germline.

NM_000057.4(BLM):c.646G>A (p.Glu216Lys)

Gene: BLM (BLM RecQ like helicase; plus strand). Cytogenetic location: 15q26.1.
Variant type: single nucleotide variant.
Coding change: c.646G>A on transcript NM_000057.4 (MANE Select); coding-DNA position 646, G replaced by A.
Protein change: p.Glu216Lys; replaces glutamic acid 216 with lysine.
Molecular consequence: missense variant. On other transcripts: 5 prime UTR variant (1).
Genome position (GRCh38, 1-based): chr15:90,749,914, G>A. VCF-style: chr15-90749914-G-A. GRCh37 (hg19) VCF-style: chr15-91293144-G-A.
Other names: c.646G>A, p.Glu216Lys (NM_001287246.2, NM_001287247.2); c.-646G>A (NM_001287248.2); short protein forms E216K.
Identifiers: ClinVar variation 454160 (VCV000454160.14), dbSNP rs779934502, ClinGen allele CA7738320.